The following is an entry in ClinVar:

NM_000238.4(KCNH2):c.2019C>T (p.Tyr673=)

Gene: KCNH2 (potassium voltage-gated channel subfamily H member 2; minus strand). Cytogenetic location: 7q36.1.
Variant type: single nucleotide variant.
Coding change: c.2019C>T on transcript NM_000238.4 (MANE Select); coding-DNA position 2019, C replaced by T.
Protein change: p.Tyr673=; no amino-acid change (tyrosine 673 retained).
Molecular consequence: synonymous variant. On other transcripts: non-coding transcript variant (2).
Genome position (GRCh38, 1-based): chr7:150,951,047, G>A on the plus strand (C>T on the coding strand, the complement: KCNH2 is on the minus strand). VCF-style: chr7-150951047-G-A. GRCh37 (hg19) VCF-style: chr7-150648135-G-A.
Other names: c.999C>T, p.Tyr333= (NM_001204798.2, NM_172057.3); c.1731C>T, p.Tyr577= (NM_001406753.1, NM_001406756.1); c.1842C>T, p.Tyr614= (NM_001406755.1); c.1719C>T, p.Tyr573= (NM_001406757.1); c.2019C>T, p.Tyr673= (NM_172056.3).
Identifiers: ClinVar variation 3230726 (VCV003230726.1), dbSNP rs2486031481, ClinGen allele CA458645431.
Genomic context (GRCh38, chr7:150,951,047, plus strand): 5'-CAGGGGATTGGGGATCTGGTGGAAGCGGATGAACTCCCGCACCCGCAGCATCTGTGTGTG[G>A]TAGCGGGCTGTGCCCGAGTACAGCCGCTGGATGATGGCCGACACGTTGCCGAAGATGCTA-3'
Protein context (NP_000229.1, residues 663-683): IQRLYSGTAR[Tyr673=]HTQMLRVREF

ClinVar aggregate classification (germline): Uncertain significance (1 of 4 stars; one submission).

Conditions:
Cardiovascular phenotype. Identifiers: MedGen CN230736.

Submission:

Ambry Genetics
Classification: Uncertain significance for Cardiovascular phenotype. Last evaluated: 2023-10-31. Review status: criteria provided, single submitter. Criteria: Ambry Variant Classification Scheme 2023. Collection method: clinical testing. Allele origin: germline.
Comment: The c.2019C>T variant (also known as p.Y673Y), located in coding exon 8 of the KCNH2 gene, results from a C to T substitution at nucleotide position 2019. This nucleotide substitution does not change the tyrosine at codon 673. In silico splice site analysis for this alteration is inconclusive. Since supporting evidence is limited at this time, the clinical significance of this alteration remains unclear.